The following is an entry in ClinVar:

ClinVar aggregate classification (germline): Uncertain significance. Review status: criteria provided, multiple submitters, no conflicts (2 of 4 stars). 2 submissions from 2 submitters: Uncertain significance (2). Last evaluated 2025-11-08.

Conditions:
Inborn genetic diseases. Identifiers: MedGen C0950123, MeSH D030342.

gnomAD v4.1: 10 of 1,612,998 alleles (0.00062%); highest among the groups gnomAD compares: Admixed American, 0.0033%; no homozygotes.

Submissions (2):

Ambry Genetics
Classification: Uncertain significance for Inborn genetic diseases. Last evaluated: 2025-11-08. Review status: criteria provided, single submitter. Criteria: Ambry Variant Classification Scheme 2023. Collection method: clinical testing. Allele origin: germline.

Labcorp Genetics (formerly Invitae), Labcorp
Classification: Uncertain significance. Last evaluated: 2022-04-16. Review status: criteria provided, single submitter. Criteria: Invitae Variant Classification Sherloc (09022015). Collection method: clinical testing. Allele origin: germline.
Comment: This sequence change replaces valine, which is neutral and non-polar, with leucine, which is neutral and non-polar, at codon 103 of the DUOX2 protein (p.Val103Leu). This variant is present in population databases (no rsID available, gnomAD 0.003%). This variant has not been reported in the literature in individuals affected with DUOX2-related conditions. Advanced modeling of protein sequence and biophysical properties (such as structural, functional, and spatial information, amino acid conservation, physicochemical variation, residue mobility, and thermodynamic stability) performed at Invitae indicates that this missense variant is not expected to disrupt DUOX2 protein function. Algorithms developed to predict the effect of sequence changes on RNA splicing suggest that this variant may disrupt the consensus splice site. In summary, the available evidence is currently insufficient to determine the role of this variant in disease. Therefore, it has been classified as a Variant of Uncertain Significance.

NM_001363711.2(DUOX2):c.307G>C (p.Val103Leu)

Gene: DUOX2 (dual oxidase 2; minus strand). Cytogenetic location: 15q21.1.
Variant type: single nucleotide variant.
Coding change: c.307G>C on transcript NM_001363711.2 (MANE Select); coding-DNA position 307, G replaced by C.
Protein change: p.Val103Leu; replaces valine 103 with leucine.
Molecular consequence: missense variant.
Genome position (GRCh38, 1-based): chr15:45,112,572, C>G on the plus strand (G>C on the coding strand, the complement: DUOX2 is on the minus strand). VCF-style: chr15-45112572-C-G. GRCh37 (hg19) VCF-style: chr15-45404770-C-G.
Other names: c.307G>C (NM_014080.4); c.307G>C, p.Val103Leu (NM_014080.5); short protein forms V103L.
Identifiers: ClinVar variation 1480816 (VCV001480816.6), dbSNP rs148211186, ClinGen allele CA270135196.